The following is an entry in ClinVar:

ClinVar aggregate classification (germline): Uncertain significance. Review status: criteria provided, multiple submitters, no conflicts (2 of 4 stars). 3 submissions from 3 submitters: Uncertain significance (3). Last evaluated 2026-06-03.

Conditions:
X-linked intellectual disability, Cantagrel type (XLID98). Also called: INTELLECTUAL DEVELOPMENTAL DISORDER, X-LINKED 98. Identifiers: Orphanet 85277, MedGen C3806730, MONDO:0010483, OMIM 300912.
Inborn genetic diseases. Identifiers: MedGen C0950123, MeSH D030342.

Allele frequency attached by ClinVar (database versions not stated): gnomAD exomes below 0.00001.
gnomAD v4.1: 2 of 1,211,319 alleles (0.00017%); highest among the groups gnomAD compares: Non-Finnish European, 0.00022%; no homozygotes.

Submissions (3):

GeneDx
Classification: Uncertain significance. Last evaluated: 2026-06-03. Review status: criteria provided, single submitter. Criteria: GeneDx Variant Classification Process June 2021. Collection method: clinical testing. Allele origin: germline.
Comment: Not observed at significant frequency in large population cohorts (gnomAD); In silico analysis supports that this missense variant has a deleterious effect on protein structure/function; Has not been previously published as pathogenic or benign to our knowledge

Baylor Genetics
Classification: Uncertain significance for X-linked intellectual disability, Cantagrel type. Last evaluated: 2023-07-04. Review status: criteria provided, single submitter. Criteria: ACMG Guidelines, 2015. Collection method: clinical testing. Allele origin: unknown.

Ambry Genetics
Classification: Uncertain significance for Inborn genetic diseases. Last evaluated: 2015-10-02. Review status: criteria provided, single submitter. Criteria: Ambry exome assertion method (8-5-2015). Collection method: clinical testing. Allele origin: germline. Affected: yes. Observed: 1 variant allele.

NM_001008537.3(NEXMIF):c.3202C>T (p.Leu1068Phe)

Gene: NEXMIF (neurite extension and migration factor; minus strand). Cytogenetic location: Xq13.3.
Variant type: single nucleotide variant.
Coding change: c.3202C>T on transcript NM_001008537.3 (MANE Select); coding-DNA position 3202, C replaced by T.
Protein change: p.Leu1068Phe; replaces leucine 1068 with phenylalanine.
Molecular consequence: missense variant.
Genome position (GRCh38, 1-based): chrX:74,741,355, G>A on the plus strand (C>T on the coding strand, the complement: NEXMIF is on the minus strand). VCF-style: chrX-74741355-G-A. GRCh37 (hg19) VCF-style: chrX-73961190-G-A.
Other names: c.3202C>T (NM_001008537.1); short protein forms L1068F.
Identifiers: ClinVar variation 520765 (VCV000520765.7), dbSNP rs1556016358, ClinGen allele CA413666483.
Genomic context (GRCh38, chrX:74,741,355, plus strand): 5'-TCTCACATCTGGTAATTTGAGGGGAAAGACTAGGGGTGTCCGGTGGGGACATCTCTGAAA[G>A]GGAAGAGTGGCGGAATTTGTCAGGGGTGAAGTTGGATATATCCAGGAGGTCAGTGGACTC-3'
Protein context (NP_001008537.1, residues 1058-1078): FTPDKFRHSS[Leu1068Phe]SEMSPPDTPS